The following is an entry in ClinVar:

ClinVar aggregate classification (germline): Benign/Likely benign. Review status: criteria provided, multiple submitters, no conflicts (2 of 4 stars). 4 submissions from 4 submitters: Benign (1); Likely benign (3). Last evaluated 2026-08-01.

Allele frequency attached by ClinVar (database versions not stated): 1000 Genomes Project 30x 0.00156; 1000 Genomes Project 0.00160; TOPMed 0.00377; ESP Exome Variant Server 0.00461; gnomAD 0.00529 and 0.00548.
gnomAD v4.1: 10,060 of 1,614,174 alleles (0.62%); highest among the groups gnomAD compares: Non-Finnish European, 0.64%; 54 homozygotes.

Submissions (4):

CeGaT Center for Human Genetics Tuebingen
Classification: Likely benign. Last evaluated: 2026-08-01. Review status: criteria provided, single submitter. Criteria: CeGaT Center For Human Genetics Tuebingen Variant Classification Criteria Version 2. Collection method: clinical testing. Allele origin: germline. Affected: yes. Observed: 3 variant alleles.
Comment: SMO: BP4, BP7, BS2

GeneDx
Classification: Likely benign. Last evaluated: 2021-06-11. Review status: criteria provided, single submitter. Criteria: GeneDx Variant Classification Process June 2021. Collection method: clinical testing. Allele origin: germline. Affected: yes.

Labcorp Genetics (formerly Invitae), Labcorp
Classification: Benign. Last evaluated: 2019-12-31. Review status: criteria provided, single submitter. Criteria: Invitae Variant Classification Sherloc (09022015). Collection method: clinical testing. Allele origin: germline.

Breakthrough Genomics
Classification: Likely benign. Review status: criteria provided, single submitter. Criteria: ACMG Guidelines, 2015. Collection method: not provided. Allele origin: germline. Inheritance: Autosomal recessive inheritance. Affected: yes.

NM_005631.5(SMO):c.1203G>C (p.Ala401=)

Gene: SMO (smoothened, frizzled class receptor; plus strand). Cytogenetic location: 7q32.1.
Variant type: single nucleotide variant.
Coding change: c.1203G>C on transcript NM_005631.5 (MANE Select); coding-DNA position 1203, G replaced by C.
Protein change: p.Ala401=; no amino-acid change (alanine 401 retained).
Molecular consequence: synonymous variant.
Genome position (GRCh38, 1-based): chr7:129,206,526, G>C. VCF-style: chr7-129206526-G-C. GRCh37 (hg19) VCF-style: chr7-128846367-G-C.
Identifiers: ClinVar variation 774137 (VCV000774137.17), dbSNP rs117663825, ClinGen allele CA4479323.